The following is an entry in ClinVar:

NM_001849.4(COL6A2):c.2502C>T (p.Ile834=)

Gene: COL6A2 (collagen type VI alpha 2 chain; plus strand). Cytogenetic location: 21q22.3.
Variant type: single nucleotide variant.
Coding change: c.2502C>T on transcript NM_001849.4 (MANE Select); coding-DNA position 2502, C replaced by T.
Protein change: p.Ile834=; no amino-acid change (isoleucine 834 retained).
Molecular consequence: synonymous variant.
Genome position (GRCh38, 1-based): chr21:46,131,994, C>T. VCF-style: chr21-46131994-C-T. GRCh37 (hg19) VCF-style: chr21-47551908-C-T.
Identifiers: ClinVar variation 706798 (VCV000706798.11), dbSNP rs369040271, ClinGen allele CA10072911.

ClinVar aggregate classification (germline): Likely benign. Review status: criteria provided, single submitter (1 of 4 stars). 2 submissions from 2 submitters: Likely benign (1). 1 of the submissions does not count toward it. Last evaluated 2024-12-16.

Conditions:
Bethlem myopathy 1A. Also called: Bethlem myopathy 1; Bethlem Muscular Dystrophy; MYOPATHY, BENIGN CONGENITAL, WITH CONTRACTURES. Identifiers: Orphanet 610, MedGen CN029274, MONDO:0024530, OMIM 158810.
COL6A2-related disorder.

Allele frequency attached by ClinVar (database versions not stated): TOPMed 0.00007; ESP Exome Variant Server 0.00008.
gnomAD v4.1: 37 of 1,609,860 alleles (0.0023%); highest among the groups gnomAD compares: Admixed American, 0.0067%; no homozygotes.

Submissions (2):

Labcorp Genetics (formerly Invitae), Labcorp
Classification: Likely benign for Bethlem myopathy 1A. Last evaluated: 2024-12-16. Review status: criteria provided, single submitter. Criteria: Invitae Variant Classification Sherloc (09022015). Collection method: clinical testing. Allele origin: germline.

PreventionGenetics, part of Exact Sciences
Classification: Likely benign for COL6A2-related condition. Last evaluated: 2020-05-18. Review status: no assertion criteria provided. Collection method: clinical testing. Allele origin: germline. Not counted in ClinVar's aggregate classification.
Comment: This variant is classified as likely benign based on ACMG/AMP sequence variant interpretation guidelines (Richards et al. 2015 PMID: 25741868, with internal and published modifications).